The following is an entry in ClinVar:

ClinVar aggregate classification (germline): Conflicting classifications of pathogenicity. Review status: criteria provided, conflicting classifications (1 of 4 stars). 3 submissions from 3 submitters: Uncertain significance (2); Likely benign (1). Last evaluated 2025-07-25.

Conditions:
Malignant hyperthermia, susceptibility to, 5 (MHS5). Also called: CACNA1S-Related Malignant Hyperthermia Susceptibility. Identifiers: Orphanet 423, MedGen C1866077, MONDO:0011163, OMIM 601887.
Hypokalemic periodic paralysis, type 1. Also called: Hypokalemic Periodic Paralysis Type 1 (AD); HypoPP. Identifiers: Orphanet 681, MedGen C3714580, MONDO:0042979, OMIM 170400.

Allele frequency attached by ClinVar (database versions not stated): gnomAD exomes 0.00001; ExAC 0.00002.
gnomAD v4.1: 14 of 1,614,092 alleles (0.00087%); highest among the groups gnomAD compares: East Asian, 0.0022%; no homozygotes.

Submissions (3):

Color Diagnostics, LLC DBA Color Health
Classification: Uncertain significance for Malignant hyperthermia, susceptibility to, 5. Last evaluated: 2025-07-25. Review status: criteria provided, single submitter. Criteria: ACMG Guidelines, 2015. Collection method: clinical testing. Allele origin: germline.
Comment: This missense variant replaces valine with methionine at codon 771 of the CACNA1S protein. Computational prediction is inconclusive regarding the impact of this variant on protein structure and function. To our knowledge, functional studies have not been reported for this variant. This variant has not been reported in individuals affected with CACNA1S-related disorders in the literature. This variant has been identified in 6/251374 chromosomes in the general population by the Genome Aggregation Database (gnomAD). The available evidence is insufficient to determine the role of this variant in disease conclusively. Therefore, this variant is classified as a Variant of Uncertain Significance.

Labcorp Genetics (formerly Invitae), Labcorp
Classification: Likely benign for Hypokalemic periodic paralysis, type 1; Malignant hyperthermia, susceptibility to, 5. Last evaluated: 2024-07-30. Review status: criteria provided, single submitter. Criteria: Invitae Variant Classification Sherloc (09022015). Collection method: clinical testing. Allele origin: germline.

All of Us Research Program, National Institutes of Health
Classification: Uncertain significance for Malignant hyperthermia, susceptibility to, 5. Last evaluated: 2023-08-28. Review status: criteria provided, single submitter. Criteria: ACMG Guidelines, 2015. Collection method: clinical testing. Allele origin: germline. Inheritance: Autosomal dominant inheritance. Observed: 2 variant alleles, 2 heterozygotes.
Comment: This missense variant replaces valine with methionine at codon 771 of the CACNA1S protein. Computational prediction is inconclusive regarding the impact of this variant on protein structure and function (internally defined REVEL score threshold 0.5 < inconclusive < 0.7, PMID: 27666373). To our knowledge, functional studies have not been reported for this variant. This variant has not been reported in individuals affected with CACNA1S-related disorders in the literature. This variant has been identified in 6/251374 chromosomes in the general population by the Genome Aggregation Database (gnomAD). The available evidence is insufficient to determine the role of this variant in disease conclusively. Therefore, this variant is classified as a Variant of Uncertain Significance.

This study involves interpretation of variants in research participants for the purpose of population health screening. Participant phenotype was not available at the time of variant classification. Additional details can be found in publication PMID: 35346344, PMCID: PMC8962531

NM_000069.3(CACNA1S):c.2311G>A (p.Val771Met)

Gene: CACNA1S (calcium voltage-gated channel subunit alpha1 S; minus strand). Cytogenetic location: 1q32.1.
Variant type: single nucleotide variant.
Coding change: c.2311G>A on transcript NM_000069.3 (MANE Select); coding-DNA position 2311, G replaced by A.
Protein change: p.Val771Met; replaces valine 771 with methionine.
Molecular consequence: missense variant.
Genome position (GRCh38, 1-based): chr1:201,070,321, C>T on the plus strand (G>A on the coding strand, the complement: CACNA1S is on the minus strand). VCF-style: chr1-201070321-C-T. GRCh37 (hg19) VCF-style: chr1-201039449-C-T.
Other names: short protein forms V771M.
Identifiers: ClinVar variation 2200411 (VCV002200411.6), dbSNP rs778705388, ClinGen allele CA078924.